The following is an entry in ClinVar:

ClinVar aggregate classification (germline): Conflicting classifications of pathogenicity. Review status: criteria provided, conflicting classifications (1 of 4 stars). 4 submissions from 4 submitters: Uncertain significance (3); Likely benign (1). Last evaluated 2025-04-20.

Conditions:
Hereditary breast ovarian cancer syndrome. Also called: Hereditary breast and ovarian cancer; Hereditary breast and ovarian cancer syndrome; Hereditary breast and/or ovarian cancer syndrome; BRCA1- and BRCA2-Associated Hereditary Breast and Ovarian Cancer; Hereditary breast and ovarian cancer syndrome (HBOC); Breast and ovarian cancer. Identifiers: Orphanet 145, MedGen C0677776, MeSH D061325, MONDO:0003582. Disease mechanism: loss of function.
Hereditary cancer-predisposing syndrome. Also called: Tumor predisposition; Hereditary neoplastic syndrome; Hereditary Cancer Syndrome; Neoplastic Syndromes, Hereditary. Identifiers: Orphanet 140162, MedGen C0027672, MeSH D009386, MONDO:0015356.

gnomAD v4.1: 1 of 1,614,228 alleles (0.000062%); no homozygotes.

Submissions (4):

Ambry Genetics
Classification: Uncertain significance for Hereditary cancer-predisposing syndrome. Last evaluated: 2025-04-20. Review status: criteria provided, single submitter. Criteria: Ambry Variant Classification Scheme 2023. Collection method: clinical testing. Allele origin: germline.
Comment: The p.C1270R variant (also known as c.3808T>C), located in coding exon 9 of the BRCA1 gene, results from a T to C substitution at nucleotide position 3808. The cysteine at codon 1270 is replaced by arginine, an amino acid with highly dissimilar properties. This amino acid position is not well conserved in available vertebrate species. In addition, the in silico prediction for this alteration is inconclusive. Since supporting evidence is limited at this time, the clinical significance of this alteration remains unclear.

University of Washington Department of Laboratory Medicine, University of Washington
Classification: Likely benign for Hereditary cancer-predisposing syndrome. Last evaluated: 2023-03-23. Review status: criteria provided, single submitter. Criteria: Dines et al. (Genet Med. 2020). Collection method: curation. Allele origin: germline.
Comment: Missense variant in a coldspot region where missense variants are very unlikely to be pathogenic (PMID:31911673).

BRCA1 coldspot (exon 11 using historical exon numbering). Reclassification based on statistical prior probability

Labcorp Genetics (formerly Invitae), Labcorp
Classification: Uncertain significance for Hereditary breast ovarian cancer syndrome. Last evaluated: 2023-02-21. Review status: criteria provided, single submitter. Criteria: Invitae Variant Classification Sherloc (09022015). Collection method: clinical testing. Allele origin: germline.
Comment: ClinVar contains an entry for this variant (Variation ID: 1171706). This variant has not been reported in the literature in individuals affected with BRCA1-related conditions. This variant is not present in population databases (gnomAD no frequency). This sequence change replaces cysteine, which is neutral and slightly polar, with arginine, which is basic and polar, at codon 1270 of the BRCA1 protein (p.Cys1270Arg). In summary, the available evidence is currently insufficient to determine the role of this variant in disease. Therefore, it has been classified as a Variant of Uncertain Significance. Advanced modeling of protein sequence and biophysical properties (such as structural, functional, and spatial information, amino acid conservation, physicochemical variation, residue mobility, and thermodynamic stability) performed at Invitae indicates that this missense variant is not expected to disrupt BRCA1 protein function.

Color Diagnostics, LLC DBA Color Health
Classification: Uncertain significance for Hereditary cancer-predisposing syndrome. Last evaluated: 2022-07-07. Review status: criteria provided, single submitter. Criteria: ACMG Guidelines, 2015. Collection method: clinical testing. Allele origin: germline.
Comment: This missense variant replaces cysteine with arginine at codon 1270 of the BRCA1 protein. Computational prediction is inconclusive regarding the impact of this variant on protein structure and function (internally defined REVEL score threshold 0.5 < inconclusive < 0.7, PMID: 27666373). To our knowledge, functional studies have not been reported for this variant. This variant has not been reported in individuals affected with hereditary cancer in the literature. This variant has not been identified in the general population by the Genome Aggregation Database (gnomAD). The available evidence is insufficient to determine the role of this variant in disease conclusively. Therefore, this variant is classified as a Variant of Uncertain Significance.

NM_007294.4(BRCA1):c.3808T>C (p.Cys1270Arg)

Genes: BRCA1 (BRCA1 DNA repair associated; minus strand), LOC126862571 (BRD4-independent group 4 enhancer GRCh37_chr17:41243136-41244335; plus strand). Cytogenetic location: 17q21.31.
Variant type: single nucleotide variant.
Coding change: c.3808T>C on transcript NM_007294.4 (MANE Select); coding-DNA position 3808, T replaced by C.
Protein change: p.Cys1270Arg; replaces cysteine 1270 with arginine.
Molecular consequence: missense variant. On other transcripts: intron variant (135).
Genome position (GRCh38, 1-based): chr17:43,091,723, A>G on the plus strand (T>C on the coding strand, the complement: BRCA1 is on the minus strand). VCF-style: chr17-43091723-A-G. GRCh37 (hg19) VCF-style: chr17-41243740-A-G.
Other names: c.3730T>C, p.Cys1244Arg (NM_001407654.1, NM_001407655.1, NM_001407656.1 and 4 more transcripts); c.3475T>C, p.Cys1159Arg (NM_001407953.1, NM_001407957.1, NM_001407946.1 and 6 more transcripts); c.3472T>C, p.Cys1158Arg (NM_001407954.1, NM_001407955.1, NM_001407956.1 and 1 more transcripts); c.3427T>C, p.Cys1143Arg (NM_001407959.1, NM_001407960.1, NM_001407963.1); c.3727T>C, p.Cys1243Arg (NM_001407659.1, NM_001407660.1, NM_001407661.1 and 1 more transcripts); c.3595T>C, p.Cys1199Arg (NM_001407571.1, NM_001407853.1, NM_001407894.1 and 9 more transcripts); c.3808T>C, p.Cys1270Arg (NM_001407581.1, NM_001407582.1, NM_001407583.1 and 30 more transcripts); c.3805T>C, p.Cys1269Arg (NM_001407587.1, NM_001407590.1, NM_001407591.1 and 22 more transcripts); and 41 more; short protein forms C1223R, C1270R, C1158R, C1159R, C1200R, C1203R, C1222R, C1244R.
Identifiers: ClinVar variation 1171706 (VCV001171706.13), dbSNP rs2154285914, ClinGen allele CA10594353.
Genomic context (GRCh38, chr17:43,091,723, plus strand): 5'-TTGTTTCCTCACTAAGGTGATGTTCCTGAGATGCCTTTGCCAATATTACCTGGTTACTGC[A>G]GTCATTTAAGCTATTCTTCAATGATAATAAATTCTCCTCTGTGTTCTTAGACAGACACTC-3'
Protein context (NP_009225.1, residues 1260-1280): LLSLKNSLND[Cys1270Arg]SNQVILAKAS